The following is an entry in ClinVar:

ClinVar aggregate classification (germline): Likely pathogenic. Review status: criteria provided, multiple submitters, no conflicts (2 of 4 stars). 2 submissions from 2 submitters: Likely pathogenic (2). Last evaluated 2018-02-28.

Conditions:
Cerebral arteriopathy, autosomal dominant, with subcortical infarcts and leukoencephalopathy, type 1 (CADASIL1). Also called: CADASIL 1; CASIL; Cerebral arteriopathy with subcortical infarcts and leukoencephalopathy 1; DEMENTIA, HEREDITARY MULTIINFARCT TYPE. Identifiers: Orphanet 136, MedGen C4551768, MONDO:0000914, OMIM 125310.

Submissions (2):

CeGaT Center for Human Genetics Tuebingen
Classification: Likely pathogenic. Last evaluated: 2018-02-28. Review status: criteria provided, single submitter. Criteria: Praxis fuer Humangenetik Tuebingen - Variant Classification Criteria. Collection method: clinical testing. Allele origin: germline. Affected: yes. Observed: 1 variant allele.

Centre for Mendelian Genomics, University Medical Centre Ljubljana
Classification: Likely pathogenic for Cerebral arteriopathy, autosomal dominant, with subcortical infarcts and leukoencephalopathy, type 1. Last evaluated: 2016-01-01. Review status: criteria provided, single submitter. Criteria: ACMG Guidelines, 2015. Collection method: clinical testing. Allele origin: unknown. Affected: yes.
Comment: This variant was classified as: Likely pathogenic. The following ACMG criteria were applied in classifying this variant: PM1,PM2,PP2,PP3.

NM_000435.3(NOTCH3):c.932G>T (p.Cys311Phe)

Gene: NOTCH3 (notch receptor 3; minus strand). Cytogenetic location: 19p13.12.
Variant type: single nucleotide variant.
Coding change: c.932G>T on transcript NM_000435.3 (MANE Select); coding-DNA position 932, G replaced by T.
Protein change: p.Cys311Phe; replaces cysteine 311 with phenylalanine.
Molecular consequence: missense variant.
Genome position (GRCh38, 1-based): chr19:15,191,528, C>A on the plus strand (G>T on the coding strand, the complement: NOTCH3 is on the minus strand). VCF-style: chr19-15191528-C-A. GRCh37 (hg19) VCF-style: chr19-15302339-C-A.
Other names: short protein forms C311F.
Identifiers: ClinVar variation 546834 (VCV000546834.6), dbSNP rs1555729346, ClinGen allele CA404531159.